The following is an entry in ClinVar:

ClinVar aggregate classification (germline): Benign/Likely benign. Review status: criteria provided, multiple submitters, no conflicts (2 of 4 stars). 7 submissions from 7 submitters: Benign (2); Likely benign (3). 2 of the submissions do not count toward it. Last evaluated 2026-02-04.

Conditions:
Sucrase-isomaltase deficiency (CSID). Also called: Congenital sucrose isomaltose malabsorption; Sucrose isomaltose enzyme deficiency; SI DEFICIENCY; Deficiency of isomaltase. Identifiers: Orphanet 35122, MedGen C1283620, MONDO:0009114, OMIM 222900.

Allele frequency attached by ClinVar (database versions not stated): 1000 Genomes Project 30x 0.09681; 1000 Genomes Project 0.09864; TOPMed 0.10113; gnomAD 0.10127 and 0.10279; ESP Exome Variant Server 0.10726; gnomAD exomes 0.10898 and 0.12133; ExAC 0.11276.
gnomAD v4.1: 192,095 of 1,607,412 alleles (12%); highest among the groups gnomAD compares: South Asian, 19%; 12,436 homozygotes.

Submissions (7):

Labcorp Genetics (formerly Invitae), Labcorp
Classification: Benign. Last evaluated: 2026-02-04. Review status: criteria provided, single submitter. Criteria: Invitae Variant Classification Sherloc (09022015). Collection method: clinical testing. Allele origin: germline.

Blueprint Genetics
Classification: Likely benign. Last evaluated: 2024-11-26. Review status: criteria provided, single submitter. Criteria: ACMG Guidelines, 2015. Collection method: clinical testing. Allele origin: germline.

Mayo Clinic Laboratories, Mayo Clinic
Classification: Benign. Last evaluated: 2022-09-06. Review status: criteria provided, single submitter. Criteria: ACMG Guidelines, 2015. Collection method: clinical testing. Allele origin: germline. Observed: 30 variant alleles.

Illumina Laboratory Services, Illumina
Classification: Likely benign for Sucrase-isomaltase deficiency. Last evaluated: 2017-04-27. Review status: criteria provided, single submitter. Criteria: ICSL Variant Classification Criteria 13 December 2019. Collection method: clinical testing. Allele origin: germline.
Comment: This variant was observed as part of a predisposition screen in an ostensibly healthy population. A literature search was performed for the gene, cDNA change, and amino acid change (where applicable). No publications were found based on this search. Allele frequency data from public databases allowed determination this variant is unlikely to cause disease. Therefore, this variant is classified as likely benign.

Breakthrough Genomics
Classification: Likely benign. Review status: criteria provided, single submitter. Criteria: ACMG Guidelines, 2015. Collection method: not provided. Allele origin: germline. Inheritance: Autosomal recessive inheritance. Affected: yes.

Diagnostic Laboratory, Department of Genetics, University Medical Center Groningen
Classification: Benign. Review status: no assertion criteria provided. Collection method: clinical testing. Allele origin: germline. Affected: yes. Study: VKGL Data-share Consensus. Not counted in ClinVar's aggregate classification.

Joint Genome Diagnostic Labs from Nijmegen and Maastricht, Radboudumc and MUMC+
Classification: Benign. Review status: no assertion criteria provided. Collection method: clinical testing. Allele origin: germline. Affected: yes. Study: VKGL Data-share Consensus. Not counted in ClinVar's aggregate classification.

NM_001041.4(SI):c.4026A>G (p.Thr1342=)

Gene: SI (sucrase-isomaltase; minus strand). Cytogenetic location: 3q26.1.
Variant type: single nucleotide variant.
Coding change: c.4026A>G on transcript NM_001041.4 (MANE Select); coding-DNA position 4026, A replaced by G.
Protein change: p.Thr1342=; no amino-acid change (threonine 1342 retained).
Molecular consequence: synonymous variant.
Genome position (GRCh38, 1-based): chr3:165,013,016, T>C on the plus strand (A>G on the coding strand, the complement: SI is on the minus strand). VCF-style: chr3-165013016-T-C. GRCh37 (hg19) VCF-style: chr3-164730804-T-C.
Other names: p.Thr1342=.
Identifiers: ClinVar variation 344021 (VCV000344021.21), dbSNP rs74648160, ClinGen allele CA2690052.